The following is an entry in ClinVar:

NM_144997.7(FLCN):c.695A>G (p.Gln232Arg)

Gene: FLCN (folliculin; minus strand). Cytogenetic location: 17p11.2.
Variant type: single nucleotide variant.
Coding change: c.695A>G on transcript NM_144997.7 (MANE Select); coding-DNA position 695, A replaced by G.
Protein change: p.Gln232Arg; replaces glutamine 232 with arginine.
Molecular consequence: missense variant.
Genome position (GRCh38, 1-based): chr17:17,222,585, T>C on the plus strand (A>G on the coding strand, the complement: FLCN is on the minus strand). VCF-style: chr17-17222585-T-C. GRCh37 (hg19) VCF-style: chr17-17125899-T-C.
Other names: c.749A>G, p.Gln250Arg (NM_001353229.2); c.695A>G, p.Gln232Arg (NM_001353230.2, NM_001353231.2, NM_144606.7); short protein forms Q232R, Q250R.
Identifiers: ClinVar variation 3241640 (VCV003241640.2), dbSNP rs2544233985.

ClinVar aggregate classification (germline): Uncertain significance. Review status: criteria provided, multiple submitters, no conflicts (2 of 4 stars). 2 submissions from 2 submitters: Uncertain significance (2). Last evaluated 2026-07-07.

Conditions:
Birt-Hogg-Dube syndrome 1 (BHD1). Also called: FIBROFOLLICULOMAS WITH TRICHODISCOMAS AND ACROCHORDONS. Identifiers: Orphanet 122, MedGen CN375946, MONDO:0800445, OMIM 135150.
Hereditary cancer-predisposing syndrome. Also called: Neoplastic Syndromes, Hereditary; Tumor predisposition; Hereditary Cancer Syndrome; Hereditary neoplastic syndrome. Identifiers: Orphanet 140162, MedGen C0027672, MeSH D009386, MONDO:0015356.

Allele frequency attached by ClinVar (database versions not stated): gnomAD exomes below 0.00001.
gnomAD v4.1: 1 of 1,614,236 alleles (0.000062%); highest among the groups gnomAD compares: Non-Finnish European, 0.000085%; no homozygotes.

Submissions (2):

Ambry Genetics
Classification: Uncertain significance for Hereditary cancer-predisposing syndrome. Last evaluated: 2026-07-07. Review status: criteria provided, single submitter. Criteria: Ambry Variant Classification Scheme 2023. Collection method: clinical testing. Allele origin: germline.
Comment: The p.Q232R variant (also known as c.695A>G), located in coding exon 4 of the FLCN gene, results from an A to G substitution at nucleotide position 695. The glutamine at codon 232 is replaced by arginine, an amino acid with highly similar properties. This amino acid position is conserved. In addition, the in silico prediction for this alteration is inconclusive. Based on the available evidence, the clinical significance of this variant remains unclear.

Baylor Genetics
Classification: Uncertain significance for Birt-Hogg-Dube syndrome 1. Last evaluated: 2024-01-02. Review status: criteria provided, single submitter. Criteria: ACMG Guidelines, 2015. Collection method: clinical testing. Allele origin: unknown.